The following is an entry in ClinVar:

ClinVar aggregate classification (germline): Uncertain significance. Review status: criteria provided, multiple submitters, no conflicts (2 of 4 stars). 2 submissions from 2 submitters: Uncertain significance (2). Last evaluated 2024-06-05.

Conditions:
Metachromatic leukodystrophy (MLD). Also called: ARSA DEFICIENCY; CEREBROSIDE SULFATASE DEFICIENCY; METACHROMATIC LEUKOENCEPHALOPATHY; SULFATIDE LIPIDOSIS; Cerebral sclerosis diffuse metachromatic form; Arylsulfatase A Deficiency. Identifiers: Orphanet 512, MedGen C0023522, MONDO:0018868, OMIM 250100.

Submissions (2):

Women's Health and Genetics/Laboratory Corporation of America, LabCorp
Classification: Uncertain significance. Last evaluated: 2024-06-05. Review status: criteria provided, single submitter. Criteria: LabCorp Variant Classification Summary - May 2015. Collection method: clinical testing. Allele origin: germline.

Labcorp Genetics (formerly Invitae), Labcorp
Classification: Uncertain significance for Metachromatic leukodystrophy. Last evaluated: 2021-12-30. Review status: criteria provided, single submitter. Criteria: Invitae Variant Classification Sherloc (09022015). Collection method: clinical testing. Allele origin: germline.
Comment: This sequence change replaces serine, which is neutral and polar, with cysteine, which is neutral and slightly polar, at codon 152 of the ARSA protein (p.Ser152Cys). This variant is not present in population databases (gnomAD no frequency). This variant has not been reported in the literature in individuals affected with ARSA-related conditions. Algorithms developed to predict the effect of missense changes on protein structure and function are either unavailable or do not agree on the potential impact of this missense change (SIFT: "Deleterious"; PolyPhen-2: "Probably Damaging"; Align-GVGD: "Class C0"). In summary, the available evidence is currently insufficient to determine the role of this variant in disease. Therefore, it has been classified as a Variant of Uncertain Significance.

NM_000487.6(ARSA):c.455C>G (p.Ser152Cys)

Gene: ARSA (arylsulfatase A; minus strand). Cytogenetic location: 22q13.33.
Variant type: single nucleotide variant.
Coding change: c.455C>G on transcript NM_000487.6 (MANE Select); coding-DNA position 455, C replaced by G.
Protein change: p.Ser152Cys; replaces serine 152 with cysteine.
Molecular consequence: missense variant.
Genome position (GRCh38, 1-based): chr22:50,627,176, G>C on the plus strand (C>G on the coding strand, the complement: ARSA is on the minus strand). VCF-style: chr22-50627176-G-C. GRCh37 (hg19) VCF-style: chr22-51065604-G-C.
Other names: c.455C>G, p.Ser152Cys (NM_001085425.3, NM_001085426.3, NM_001085427.3); c.197C>G, p.Ser66Cys (NM_001085428.3, NM_001362782.2); short protein forms S152C, S66C.
Identifiers: ClinVar variation 1954365 (VCV001954365.6), dbSNP rs2518333253, ClinGen allele CA412180009.
Genomic context (GRCh38, chr22:50,627,176, plus strand): 5'-GGGGGACTTTGGGAGGTGGGAGGGTGGCTGAGGGCCCGGGTGGTTCCTACCTGGTCGTGG[G>C]AGTACGGGATGCCTAGAAATCGATGGAAGCCCTGATGGGGGGGCAGGAAGGCCCCCTCAG-3'
Protein context (NP_000478.3, residues 142-162): GFHRFLGIPY[Ser152Cys]HDQGPCQNLT